The following is an entry in ClinVar:

NM_001170629.2(CHD8):c.3643G>C (p.Gly1215Arg)

Gene: CHD8 (chromodomain helicase DNA binding protein 8; minus strand). Cytogenetic location: 14q11.2.
Variant type: single nucleotide variant.
Coding change: c.3643G>C on transcript NM_001170629.2 (MANE Select); coding-DNA position 3643, G replaced by C.
Protein change: p.Gly1215Arg; replaces glycine 1215 with arginine.
Molecular consequence: missense variant.
Genome position (GRCh38, 1-based): chr14:21,403,088, C>G on the plus strand (G>C on the coding strand, the complement: CHD8 is on the minus strand). VCF-style: chr14-21403088-C-G. GRCh37 (hg19) VCF-style: chr14-21871247-C-G.
Other names: c.2806G>C, p.Gly936Arg (NM_020920.4); short protein forms G1215R, G936R.
Identifiers: ClinVar variation 4851470 (VCV004851470.1).

ClinVar aggregate classification (germline): Pathogenic (1 of 4 stars; one submission).

Conditions:
Paediatric disorders.

Submission:

North West Genomic Laboratory Hub, Manchester University NHS Foundation Trust
Classification: Pathogenic for Paediatric disorders. Last evaluated: 2026-05-04. Review status: criteria provided, single submitter. Criteria: ACGS Best Practice Guidelines for Variant Classification in Rare Disease 2024. Collection method: clinical testing. Allele origin: germline. Affected: yes.
Comment: PP2_Supp PM1_Mod PM2_Mod PS2_Str PP3_Supp